The following is an entry in ClinVar:

ClinVar aggregate classification (germline): Pathogenic/Likely pathogenic. Review status: criteria provided, multiple submitters, no conflicts (2 of 4 stars). 5 submissions from 5 submitters: Pathogenic (3); Likely pathogenic (2). Last evaluated 2024-12-03.

Conditions:
Familial cancer of breast. Also called: hereditary breast carcinoma; Hereditary breast cancer; BREAST CANCER, FAMILIAL. Identifiers: Orphanet 227535, MedGen C0346153, MONDO:0016419, OMIM 114480. Disease mechanism: loss of function.
Hereditary cancer-predisposing syndrome. Also called: Neoplastic Syndromes, Hereditary; Hereditary Cancer Syndrome; Tumor predisposition; Hereditary neoplastic syndrome. Identifiers: Orphanet 140162, MedGen C0027672, MeSH D009386, MONDO:0015356.
Hereditary breast ovarian cancer syndrome. Also called: BRCA1- and BRCA2-Associated Hereditary Breast and Ovarian Cancer; Hereditary breast and ovarian cancer; Hereditary breast and ovarian cancer syndrome; Hereditary breast and/or ovarian cancer syndrome; Hereditary breast and ovarian cancer syndrome (HBOC); Breast and ovarian cancer. Identifiers: Orphanet 145, MedGen C0677776, MeSH D061325, MONDO:0003582. Disease mechanism: loss of function.

Submissions (5):

Ambry Genetics
Classification: Pathogenic for Hereditary cancer-predisposing syndrome. Last evaluated: 2024-12-03. Review status: criteria provided, single submitter. Criteria: Ambry Variant Classification Scheme 2023. Collection method: clinical testing. Allele origin: germline.
Comment: The c.2405delG pathogenic mutation, located in coding exon 5 of the PALB2 gene, results from a deletion of one nucleotide at nucleotide position 2405, causing a translational frameshift with a predicted alternate stop codon (p.C802Lfs*49). This variant is considered to be rare based on population cohorts in the Genome Aggregation Database (gnomAD). This alteration is expected to result in loss of function by premature protein truncation or nonsense-mediated mRNA decay. As such, this alteration is interpreted as a disease-causing mutation.

Baylor Genetics
Classification: Likely pathogenic for Familial cancer of breast. Last evaluated: 2024-01-05. Review status: criteria provided, single submitter. Criteria: ACMG Guidelines, 2015. Collection method: clinical testing. Allele origin: unknown.

Myriad Genetics, Inc.
Classification: Pathogenic for Familial cancer of breast. Last evaluated: 2023-09-12. Review status: criteria provided, single submitter. Criteria: Myriad Autosomal Dominant, Autosomal Recessive and X-Linked Classification Criteria (2023). Collection method: clinical testing. Allele origin: unknown.
Comment: This variant is considered pathogenic. This variant creates a frameshift predicted to result in premature protein truncation.

Labcorp Genetics (formerly Invitae), Labcorp
Classification: Pathogenic for Familial cancer of breast. Last evaluated: 2022-10-30. Review status: criteria provided, single submitter. Criteria: Invitae Variant Classification Sherloc (09022015). Collection method: clinical testing. Allele origin: germline.
Comment: For these reasons, this variant has been classified as Pathogenic. ClinVar contains an entry for this variant (Variation ID: 971164). This variant has not been reported in the literature in individuals affected with PALB2-related conditions. This variant is not present in population databases (gnomAD no frequency). This sequence change creates a premature translational stop signal (p.Cys802Leufs*49) in the PALB2 gene. It is expected to result in an absent or disrupted protein product. Loss-of-function variants in PALB2 are known to be pathogenic (PMID: 17200668, 17200671, 17200672, 24136930, 25099575).

Women's Health and Genetics/Laboratory Corporation of America, LabCorp
Classification: Likely pathogenic for Hereditary breast ovarian cancer syndrome. Last evaluated: 2022-04-16. Review status: criteria provided, single submitter. Criteria: LabCorp Variant Classification Summary - May 2015. Collection method: clinical testing. Allele origin: germline.
Comment: Variant summary: PALB2 c.2405delG (p.Cys802LeufsX49) results in a premature termination codon, predicted to cause a truncation of the encoded protein or absence of the protein due to nonsense mediated decay, which are commonly known mechanisms for disease. Truncations downstream of this position have been classified as pathogenic by our laboratory. The variant was absent in 251462 control chromosomes. To our knowledge, no occurrence of c.2405delG in individuals affected with Hereditary Breast And Ovarian Cancer Syndrome and no experimental evidence demonstrating its impact on protein function have been reported. One clinical diagnostic laboratory has submitted clinical-significance assessments for this variant to ClinVar after 2014 and classified the variant as pathogenic. Based on the evidence outlined above, the variant was classified as likely pathogenic.

Literature cited by the submitters: PubMed 17200668 (cited by Labcorp Genetics (formerly Invitae), Labcorp); PubMed 17200671 (cited by Labcorp Genetics (formerly Invitae), Labcorp); PubMed 17200672 (cited by Labcorp Genetics (formerly Invitae), Labcorp); PubMed 24136930 (cited by Labcorp Genetics (formerly Invitae), Labcorp); PubMed 25099575 (cited by Labcorp Genetics (formerly Invitae), Labcorp); PubMed 28681041 (cited by Women's Health and Genetics/Laboratory Corporation of America, LabCorp).

NM_024675.4(PALB2):c.2405del (p.Cys802fs)

Gene: PALB2 (partner and localizer of BRCA2; minus strand). Cytogenetic location: 16p12.2.
Variant type: Deletion.
Coding change: c.2405del on transcript NM_024675.4 (MANE Select); coding-DNA position 2405, one base deleted (G; older notation c.2405delG).
Protein change: p.Cys802fs; shifts the reading frame from cysteine 802.
Molecular consequence: frameshift variant.
Genome position (GRCh38, 1-based): chr16:23,629,749, C deleted on the plus strand (G on the coding strand, the reverse complement: PALB2 is on the minus strand). VCF-style (leftmost placement, unchanged base first): chr16-23629748-AC-A. GRCh37 (hg19) VCF-style: chr16-23641069-AC-A.
Other names: c.2405delG (NM_024675.3); short protein forms C802fs.
Identifiers: ClinVar variation 971164 (VCV000971164.15), dbSNP rs1966856604, ClinGen allele CA1139664591.